The following is an entry in ClinVar:

NM_000257.4(MYH7):c.2293T>C (p.Phe765Leu)

Genes: MYH7 (myosin heavy chain 7; minus strand), LOC126861898 (BRD4-independent group 4 enhancer GRCh37_chr14:23893609-23894808; plus strand). Cytogenetic location: 14q11.2.
Variant type: single nucleotide variant.
Coding change: c.2293T>C on transcript NM_000257.4 (MANE Select); coding-DNA position 2293, T replaced by C.
Protein change: p.Phe765Leu; replaces phenylalanine 765 with leucine.
Molecular consequence: missense variant.
Genome position (GRCh38, 1-based): chr14:23,425,412, A>G on the plus strand (T>C on the coding strand, the complement: MYH7 is on the minus strand). VCF-style: chr14-23425412-A-G. GRCh37 (hg19) VCF-style: chr14-23894621-A-G.
Other names: c.2293T>C, p.Phe765Leu (NM_001407004.1); short protein forms F765L.
Identifiers: ClinVar variation 2068992 (VCV002068992.4), dbSNP rs1595083186, ClinGen allele CA389048713.

ClinVar aggregate classification (germline): Uncertain significance (1 of 4 stars; one submission).

Conditions:
Hypertrophic cardiomyopathy. Also called: HYPERTROPHIC MYOCARDIOPATHY. Identifiers: Orphanet 217569, MedGen C0007194, MeSH D002312, MONDO:0005045, HP:0001639.

Submission:

Labcorp Genetics (formerly Invitae), Labcorp
Classification: Uncertain significance for Hypertrophic cardiomyopathy. Last evaluated: 2022-01-16. Review status: criteria provided, single submitter. Criteria: Invitae Variant Classification Sherloc (09022015). Collection method: clinical testing. Allele origin: germline.
Comment: In summary, the available evidence is currently insufficient to determine the role of this variant in disease. Therefore, it has been classified as a Variant of Uncertain Significance. This sequence change replaces phenylalanine, which is neutral and non-polar, with leucine, which is neutral and non-polar, at codon 765 of the MYH7 protein (p.Phe765Leu). This variant is not present in population databases (gnomAD no frequency). This variant has not been reported in the literature in individuals affected with MYH7-related conditions. Algorithms developed to predict the effect of missense changes on protein structure and function are either unavailable or do not agree on the potential impact of this missense change (SIFT: "Deleterious"; PolyPhen-2: "Probably Damaging"; Align-GVGD: "Class C15"). This variant is found within a region of MYH7 between codons 181 and 937 that contains the majority of the myosin head domain. Missense variants in this region have been shown to be significantly overrepresented in individuals with hypertrophic cardiomyopathy (PMID: 27532257).

Literature cited by the submitters: PubMed 27532257.